The following is an entry in ClinVar:

ClinVar aggregate classification (germline): Conflicting classifications of pathogenicity. Review status: criteria provided, conflicting classifications (1 of 4 stars). 6 submissions from 6 submitters: Uncertain significance (1); Benign (1); Likely benign (4). Last evaluated 2025-12-28.

Conditions:
Hereditary cancer-predisposing syndrome. Also called: Neoplastic Syndromes, Hereditary; Tumor predisposition; Hereditary neoplastic syndrome; Hereditary Cancer Syndrome. Identifiers: Orphanet 140162, MedGen C0027672, MeSH D009386, MONDO:0015356.
Multiple endocrine neoplasia, type 1 (MEN1). Also called: MEN I; WERMER SYNDROME; Endocrine adenomatosis multiple; MEN 1; MEA I. Identifiers: Orphanet 652, MedGen C0025267, MeSH D018761, MONDO:0007540, OMIM 131100.

Allele frequency attached by ClinVar (database versions not stated): ExAC 0.00001; gnomAD exomes 0.00001; gnomAD 0.00002.
gnomAD v4.1: 24 of 1,614,026 alleles (0.0015%); highest among the groups gnomAD compares: Non-Finnish European, 0.002%; no homozygotes.

Submissions (6):

Labcorp Genetics (formerly Invitae), Labcorp
Classification: Likely benign for Multiple endocrine neoplasia, type 1. Last evaluated: 2025-12-28. Review status: criteria provided, single submitter. Criteria: Invitae Variant Classification Sherloc (09022015). Collection method: clinical testing. Allele origin: germline.

Color Diagnostics, LLC DBA Color Health
Classification: Likely benign for Multiple endocrine neoplasia, type 1. Last evaluated: 2025-06-23. Review status: criteria provided, single submitter. Criteria: ACMG Guidelines, 2015. Collection method: clinical testing. Allele origin: germline.

Myriad Genetics, Inc.
Classification: Benign for Multiple endocrine neoplasia, type 1. Last evaluated: 2024-11-05. Review status: criteria provided, single submitter. Criteria: Myriad Autosomal Dominant, Autosomal Recessive and X-Linked Classification Criteria (2023). Collection method: clinical testing. Allele origin: unknown.
Comment: This variant is considered benign. This variant is a silent/synonymous amino acid change and it is not expected to impact splicing.

All of Us Research Program, National Institutes of Health
Classification: Uncertain significance for Multiple endocrine neoplasia, type 1. Last evaluated: 2023-11-28. Review status: criteria provided, single submitter. Criteria: ACMG Guidelines, 2015. Collection method: clinical testing. Allele origin: germline. Inheritance: Autosomal dominant inheritance. Observed: 3 variant alleles, 3 heterozygotes.
Comment: This variant is located in the MEN1 protein. To our knowledge, functional studies have not been reported for this variant. This variant has not been reported in individuals affected with MEN1-related disorders in the literature. This variant has been identified in 3/251424 chromosomes in the general population by the Genome Aggregation Database (gnomAD). The available evidence is insufficient to determine the role of this variant in disease conclusively. Therefore, this variant is classified as a Variant of Uncertain Significance.

This study involves interpretation of variants in research participants for the purpose of population health screening. Participant phenotype was not available at the time of variant classification. Additional details can be found in publication PMID: 35346344, PMCID: PMC8962531

ARUP Laboratories, Molecular Genetics and Genomics, ARUP Laboratories
Classification: Likely benign. Last evaluated: 2017-05-12. Review status: criteria provided, single submitter. Criteria: ARUP Molecular Germline Variant Investigation Process. Collection method: clinical testing. Allele origin: germline.
Comment: The MEN1 c.1695G>T; p.Leu565Leu variant (rs767677287) is reported in ClinVar as a likely benign variant (Variation ID: 241810), and is observed in the general population databases at a frequency of 0.001 percent (3/246216 alleles; Genome Aggregation Database). This is a synonymous change, the nucleotide is not well conserved, and computational algorithms (SpliceSiteFinder-like, MaxEntScan, NNSplice, GeneSplicer, Human Splicing Finder) do not predict this variant to impact splicing. Taken together this variant is considered likely benign. REFERENCES Link to ClinVar database for p.Leu565Leu

Ambry Genetics
Classification: Likely benign for Hereditary cancer-predisposing syndrome. Last evaluated: 2016-01-05. Review status: criteria provided, single submitter. Criteria: Ambry Variant Classification Scheme 2023. Collection method: clinical testing. Allele origin: germline.

NM_001370259.2(MEN1):c.1695G>T (p.Leu565=)

Gene: MEN1 (menin 1; minus strand). Cytogenetic location: 11q13.1.
Variant type: single nucleotide variant.
Coding change: c.1695G>T on transcript NM_001370259.2 (MANE Select); coding-DNA position 1695, G replaced by T.
Protein change: p.Leu565=; no amino-acid change (leucine 565 retained).
Molecular consequence: synonymous variant.
Genome position (GRCh38, 1-based): chr11:64,804,472, C>A on the plus strand (G>T on the coding strand, the complement: MEN1 is on the minus strand). VCF-style: chr11-64804472-C-A. GRCh37 (hg19) VCF-style: chr11-64571944-C-A.
Other names: c.1710G>T, p.Leu570= (NM_000244.4, NM_130800.3, NM_130801.3 and 3 more transcripts); c.1821G>T, p.Leu607= (NM_001370251.2); c.1695G>T, p.Leu565= (NM_001370260.2, NM_001370261.2, NM_130799.3); c.1590G>T, p.Leu530= (NM_001370262.2, NM_001370263.2).
Identifiers: ClinVar variation 241810 (VCV000241810.24), dbSNP rs767677287, ClinGen allele CA060897.